The following is an entry in ClinVar:

NM_000147.5(FUCA1):c.671del (p.Pro224fs)

Gene: FUCA1 (alpha-L-fucosidase 1; minus strand). Cytogenetic location: 1p36.11.
Variant type: Deletion.
Coding change: c.671del on transcript NM_000147.5 (MANE Select); coding-DNA position 671, one base deleted (C; older notation c.671delC).
Protein change: p.Pro224fs; shifts the reading frame from proline 224.
Molecular consequence: frameshift variant.
Genome position (GRCh38, 1-based): chr1:23,859,895, G deleted on the plus strand (C on the coding strand, the reverse complement: FUCA1 is on the minus strand); the first of 2 consecutive G bases (chr1:23,859,895-23,859,896); deleting either gives the same sequence. VCF-style (leftmost placement, unchanged base first): chr1-23859894-AG-A. GRCh37 (hg19) VCF-style: chr1-24186384-AG-A.
Other names: short protein forms P224fs.
Identifiers: ClinVar variation 1457587 (VCV001457587.6), dbSNP rs2148446020, ClinGen allele CA2573132040.

ClinVar aggregate classification (germline): Pathogenic (1 of 4 stars; one submission).

Conditions:
Fucosidosis. Also called: ALPHA-L-FUCOSIDASE DEFICIENCY. Identifiers: Orphanet 349, MedGen C0016788, MONDO:0009254, OMIM 230000.

Submission:

Labcorp Genetics (formerly Invitae), Labcorp
Classification: Pathogenic for Fucosidosis. Last evaluated: 2023-08-22. Review status: criteria provided, single submitter. Criteria: Invitae Variant Classification Sherloc (09022015). Collection method: clinical testing. Allele origin: germline.
Comment: For these reasons, this variant has been classified as Pathogenic. ClinVar contains an entry for this variant (Variation ID: 1457587). This variant is also known as c.670delC. This premature translational stop signal has been observed in individual(s) with fucosidosis (PMID: 27706744). This variant is not present in population databases (gnomAD no frequency). This sequence change creates a premature translational stop signal (p.Pro224Leufs*3) in the FUCA1 gene. It is expected to result in an absent or disrupted protein product. Loss-of-function variants in FUCA1 are known to be pathogenic (PMID: 10094192).

Literature cited by the submitters: PubMed 27706744; PubMed 10094192.